The following is an entry in ClinVar:

NM_000465.4(BARD1):c.166A>C (p.Ile56Leu)

Gene: BARD1 (BRCA1 associated RING domain 1; minus strand). Cytogenetic location: 2q35.
Variant type: single nucleotide variant.
Coding change: c.166A>C on transcript NM_000465.4 (MANE Select); coding-DNA position 166, A replaced by C.
Protein change: p.Ile56Leu; replaces isoleucine 56 with leucine.
Molecular consequence: missense variant. On other transcripts: non-coding transcript variant (2), intron variant (2).
Genome position (GRCh38, 1-based): chr2:214,797,110, T>G on the plus strand (A>C on the coding strand, the complement: BARD1 is on the minus strand). VCF-style: chr2-214797110-T-G. GRCh37 (hg19) VCF-style: chr2-215661834-T-G.
Other names: c.166A>C, p.Ile56Leu (NM_001282545.2, NM_001282549.2); c.158+12302A>C (NM_001282548.2); c.159-4665A>C (NM_001282543.2); short protein forms I56L.
Identifiers: ClinVar variation 851026 (VCV000851026.10), dbSNP rs1060501302, ClinGen allele CA350462322.
Genomic context (GRCh38, chr2:214,797,110, plus strand): 5'-TAATTACTTACCTACAGAAGATGTGCTCACATCCTCCTAAACACACAGGCTCTCTCAGAA[T>G]GTTAGTACTGTTTGAAGAAATTAAAACAATCAAGATTTGAGTCATTGTTAGATAAACATC-3'
Protein context (NP_000456.2, residues 46-66): KLLRCSRCTN[Ile56Leu]LREPVCLGGC

ClinVar aggregate classification (germline): Uncertain significance (1 of 4 stars; one submission).

Conditions:
Familial cancer of breast. Also called: BREAST CANCER, FAMILIAL; Hereditary breast cancer; hereditary breast carcinoma. Identifiers: Orphanet 227535, MedGen C0346153, MONDO:0016419, OMIM 114480. Disease mechanism: loss of function.

Submission:

Labcorp Genetics (formerly Invitae), Labcorp
Classification: Uncertain significance for Familial cancer of breast. Last evaluated: 2019-02-28. Review status: criteria provided, single submitter. Criteria: Invitae Variant Classification Sherloc (09022015). Collection method: clinical testing. Allele origin: germline.
Comment: Algorithms developed to predict the effect of missense changes on protein structure and function (SIFT, PolyPhen-2, Align-GVGD) all suggest that this variant is likely to be tolerated, but these predictions have not been confirmed by published functional studies and their clinical significance is uncertain. This variant has not been reported in the literature in individuals with BARD1-related conditions. This variant is not present in population databases (ExAC no frequency). This sequence change replaces isoleucine with leucine at codon 56 of the BARD1 protein (p.Ile56Leu). The isoleucine residue is highly conserved and there is a small physicochemical difference between isoleucine and leucine. In summary, the available evidence is currently insufficient to determine the role of this variant in disease. Therefore, it has been classified as a Variant of Uncertain Significance.